The following is an entry in ClinVar:

NM_199420.4(POLQ):c.4021A>C (p.Lys1341Gln)

Gene: POLQ (DNA polymerase theta; minus strand). Cytogenetic location: 3q13.33.
Variant type: single nucleotide variant.
Coding change: c.4021A>C on transcript NM_199420.4 (MANE Select); coding-DNA position 4021, A replaced by C.
Protein change: p.Lys1341Gln; replaces lysine 1341 with glutamine.
Molecular consequence: missense variant.
Genome position (GRCh38, 1-based): chr3:121,488,910, T>G on the plus strand (A>C on the coding strand, the complement: POLQ is on the minus strand). VCF-style: chr3-121488910-T-G. GRCh37 (hg19) VCF-style: chr3-121207757-T-G.
Other names: short protein forms K1341Q.
Identifiers: ClinVar variation 1737115 (VCV001737115.3), dbSNP rs1479839459, ClinGen allele CA354096416.

ClinVar aggregate classification (germline): Uncertain significance (1 of 4 stars; one submission).

gnomAD v4.1: 1 of 1,614,070 alleles (0.000062%); highest among the groups gnomAD compares: Admixed American, 0.0017%; no homozygotes.

Submission:

Ambry Genetics
Classification: Uncertain significance. Last evaluated: 2024-05-04. Review status: criteria provided, single submitter. Criteria: Ambry Variant Classification Scheme 2023. Collection method: clinical testing. Allele origin: germline.
Comment: The p.K1341Q variant (also known as c.4021A>C), located in coding exon 16 of the POLQ gene, results from an A to C substitution at nucleotide position 4021. The lysine at codon 1341 is replaced by glutamine, an amino acid with similar properties. This amino acid position is conserved. In addition, this alteration is predicted to be tolerated by in silico analysis. Since supporting evidence is limited at this time, the clinical significance of this alteration remains unclear.